The following is an entry in ClinVar:

ClinVar aggregate classification (germline): Uncertain significance. Review status: criteria provided, single submitter (1 of 4 stars). 2 submissions from 2 submitters: Uncertain significance (1). 1 of the submissions does not count toward it. Last evaluated 2022-09-12.

Conditions:
PCSK1-related disorder. Also called: PCSK1-related condition.

Allele frequency attached by ClinVar (database versions not stated): ExAC 0.00003; gnomAD 0.00003; TOPMed 0.00004; gnomAD exomes 0.00006; 1000 Genomes Project 30x 0.00016; 1000 Genomes Project 0.00020.
gnomAD v4.1: 89 of 1,614,210 alleles (0.0055%); highest among the groups gnomAD compares: Non-Finnish European, 0.0069%; no homozygotes.

Submissions (3):

Labcorp Genetics (formerly Invitae), Labcorp
Classification: Uncertain significance. Last evaluated: 2022-09-12. Review status: criteria provided, single submitter. Criteria: Invitae Variant Classification Sherloc (09022015). Collection method: clinical testing. Allele origin: germline.
Comment: In summary, the available evidence is currently insufficient to determine the role of this variant in disease. Therefore, it has been classified as a Variant of Uncertain Significance. Algorithms developed to predict the effect of missense changes on protein structure and function (SIFT, PolyPhen-2, Align-GVGD) all suggest that this variant is likely to be tolerated. This variant has not been reported in the literature in individuals affected with PCSK1-related conditions. The frequency data for this variant in the population databases is considered unreliable, as metrics indicate poor data quality at this position in the gnomAD database. This sequence change replaces alanine, which is neutral and non-polar, with valine, which is neutral and non-polar, at codon 27 of the PCSK1 protein (p.Ala27Val).

PreventionGenetics, part of Exact Sciences
Classification: Uncertain significance for PCSK1-related condition. Last evaluated: 2024-08-13. Review status: no assertion criteria provided. Collection method: clinical testing. Allele origin: germline. Not counted in ClinVar's aggregate classification.
Comment: The PCSK1 c.80C>T variant is predicted to result in the amino acid substitution p.Ala27Val. This variant was observed in a cohort of obese individuals, and in vitro functional studies show moderate evidence of loss of function (Table 3 and Supplemental Data Set, Shah et al. 2023. PubMed ID: 36864747). It is reported in 0.0077% of alleles in individuals of European (non-Finnish) descent in gnomAD. Although we suspect this variant may be pathogenic, at this time, the clinical significance of this variant is uncertain due to the absence of conclusive functional and genetic evidence.

Dr. Peter K. Rogan Lab, Western University
No classification provided (evidence only). Condition: Uterine corpus endometrial carcinoma. Review status: no classification provided. Collection method: in vitro. Allele origin: not applicable. Functional consequence: retained intron. Not counted in ClinVar's aggregate classification.

NM_000439.5(PCSK1):c.80C>T (p.Ala27Val)

Genes: CAST (calpastatin; plus strand), PCSK1 (proprotein convertase subtilisin/kexin type 1; minus strand), LOC101929710 (uncharacterized LOC101929710; plus strand). Cytogenetic location: 5q15.
Variant type: single nucleotide variant.
Coding change: c.80C>T on transcript NM_000439.5 (MANE Select); coding-DNA position 80, C replaced by T.
Protein change: p.Ala27Val; replaces alanine 27 with valine.
Molecular consequence: missense variant.
Genome position (GRCh38, 1-based): chr5:96,432,963, G>A on the plus strand (C>T on the coding strand, the complement: PCSK1 is on the minus strand). VCF-style: chr5-96432963-G-A. GRCh37 (hg19) VCF-style: chr5-95768667-G-A.
Other names: c.80C>T (NM_000439.4); short protein forms A27V.
Identifiers: ClinVar variation 2051907 (VCV002051907.5), dbSNP rs527304866, ClinGen allele CA3350602.